The following is an entry in ClinVar:

ClinVar aggregate classification (germline): Conflicting classifications of pathogenicity. Review status: criteria provided, conflicting classifications (1 of 4 stars). 2 submissions from 2 submitters: Likely pathogenic (1); Uncertain significance (1). Last evaluated 2022-05-11.

Conditions:
Vissers-Bodmer syndrome. Identifiers: MedGen C5436647, MONDO:0033618, OMIM 619033.

gnomAD v4.1: 1 of 1,611,682 alleles (0.000062%); highest among the groups gnomAD compares: Non-Finnish European, 0.000085%; no homozygotes.

Submissions (2):

Centre of Medical Genetics, University Hospital Muenster
Classification: Likely pathogenic. Last evaluated: 2022-05-11. Review status: criteria provided, single submitter. Criteria: ACMG Guidelines, 2015. Collection method: clinical testing. Allele origin: de novo. Affected: yes. Observed: 1 variant allele, 1 heterozygote.
Comment: ACMG categories: PS2,PM1,PM2

Neuberg Centre For Genomic Medicine, NCGM
Classification: Uncertain significance for Vissers-Bodmer syndrome. Review status: criteria provided, single submitter. Criteria: ACMG Guidelines, 2015. Collection method: clinical testing. Allele origin: germline. Inheritance: Autosomal dominant inheritance. Affected: yes.
Comment: The missense c.608T>C p.Ile203Thr variant in gene has not been reported previously as a pathogenic variant nor as a benign variant, to our knowledge. The p.Ile203Thr variant is novel not in any individuals in gnomAD Exomes and 1000 Genomes. This variant has been reported to the ClinVar database as Likely Pathogenic. The amino acid change p.Ile203Thr in CNOT1 is predicted as conserved by GERP++ and PhyloP across 100 vertebrates. The amino acid Ile at position 203 is changed to a Thr changing protein sequence and it might alter its composition and physico-chemical properties. Functional studies are required to prove the pathogenicity for the variant, for these reasons, this variant has been classified as Variant of Uncertain Significance VUS.

NM_016284.5(CNOT1):c.608T>C (p.Ile203Thr)

Gene: CNOT1 (CCR4-NOT transcription complex subunit 1; minus strand). Cytogenetic location: 16q21.
Variant type: single nucleotide variant.
Coding change: c.608T>C on transcript NM_016284.5 (MANE Select); coding-DNA position 608, T replaced by C.
Protein change: p.Ile203Thr; replaces isoleucine 203 with threonine.
Molecular consequence: missense variant. On other transcripts: non-coding transcript variant (1).
Genome position (GRCh38, 1-based): chr16:58,586,574, A>G on the plus strand (T>C on the coding strand, the complement: CNOT1 is on the minus strand). VCF-style: chr16-58586574-A-G. GRCh37 (hg19) VCF-style: chr16-58620478-A-G.
Other names: c.608T>C, p.Ile203Thr (NM_001265612.2, NM_206999.3); short protein forms I203T.
Identifiers: ClinVar variation 1691561 (VCV001691561.4), dbSNP rs2151984285, ClinGen allele CA396154979.
Genomic context (GRCh38, chr16:58,586,574, plus strand): 5'-CACCCACTGTAGGCTACAAAGACTCCCTTACCTCTGCGCAGCGTCTTAAGAAAAGCGTCT[A>G]TCTGTTCTTGTCCAACTCCAAAGGCTCCCTTCTGCCCAAAGAGGAGATGGGAGAGGAGGA-3'
Protein context (NP_057368.3, residues 193-213): KGAFGVGQEQ[Ile203Thr]DAFLKTLRRD